The following is an entry in ClinVar:

ClinVar aggregate classification (germline): Pathogenic (1 of 4 stars; one submission).

Conditions:
Severe myoclonic epilepsy in infancy (DRVT). Also called: Epileptic encephalopathy, early infantile, 6 (Dravet syndrome); SEVERE MYOCLONIC EPILEPSY OF INFANCY; DEVELOPMENTAL AND EPILEPTIC ENCEPHALOPATHY 6A; Severe Myoclonic Epilepsy in Infancy (SMEI); Dravet syndrome. Identifiers: Orphanet 33069, MedGen C0751122, MONDO:0100135, OMIM 607208.

Submission:

Center for Bioinformatics, Peking University
Classification: Pathogenic for Dravet syndrome. Last evaluated: 2014-12-20. Review status: criteria provided, single submitter. Criteria: Xu et al. (Hum Mutat. 2015). Collection method: research. Allele origin: de novo. Affected: yes. Observed: 1 variant allele. Study: University Clinical Cooperation “985 Project” PKU-2014-1-1.
Comment: Dravet syndrome (DS) probands were recruited from the outpatient and inpatient child neurology units of Peking University First Hospital from 2005 till present. The study was approved by the Ethics Committee of Peking University First Hospital and the Institutional Review Board at Peking University. Participants or their parents provided written informed consent before enrollment. We collected a total of 267 mutations from 255 families with probands diagnosed with DS in China. All probands fulfilled the clinical diagnostic criteria.

NM_001165963.4(SCN1A):c.4993_4996dup (p.Ser1666fs)

Genes: SCN1A (sodium voltage-gated channel alpha subunit 1; minus strand), LOC102724058 (uncharacterized LOC102724058; plus strand). Cytogenetic location: 2q24.3.
Variant type: Duplication.
Coding change: c.4993_4996dup on transcript NM_001165963.4 (MANE Select); coding-DNA positions 4993 to 4996, 4 bases duplicated (ATGT; older notation c.4993_4996dupATGT).
Protein change: p.Ser1666fs; shifts the reading frame from serine 1666.
Molecular consequence: frameshift variant. On other transcripts: non-coding transcript variant (1).
Genome position (GRCh38, 1-based): chr2:165,992,279-165,992,282, ACAT duplicated on the plus strand (ATGT on the coding strand, the reverse complement: SCN1A is on the minus strand). VCF-style (leftmost placement, unchanged base first): chr2-165992278-G-GACAT. GRCh37 (hg19) VCF-style: chr2-166848788-G-GACAT.
Other names: c.4909_4912dup, p.Ser1638fs (NM_001165964.3, NM_001353957.2, NM_001353958.2); c.4993_4996dup, p.Ser1666fs (NM_001202435.3, NM_001353948.2); c.4960_4963dup, p.Ser1655fs (NM_001353949.2, NM_001353950.2, NM_001353951.2 and 2 more transcripts); c.4957_4960dup, p.Ser1654fs (NM_001353954.2, NM_001353955.2); c.4906_4909dup, p.Ser1637fs (NM_001353960.2); c.2551_2554dup, p.Ser852fs (NM_001353961.2); short protein forms S1654fs, S852fs, S1637fs, S1655fs, S1638fs, S1666fs.
Identifiers: ClinVar variation 189988 (VCV000189988.1), dbSNP rs794726819, ClinGen allele CA303489.